The following is an entry in ClinVar:

ClinVar aggregate classification (germline): Uncertain significance (1 of 4 stars; one submission).

Conditions:
EGFR-related lung cancer (EGFR). Identifiers: MedGen CN130014.

gnomAD v4.1: 7 of 1,614,152 alleles (0.00043%); highest among the groups gnomAD compares: Non-Finnish European, 0.00051%; no homozygotes.

Submission:

Labcorp Genetics (formerly Invitae), Labcorp
Classification: Uncertain significance for EGFR-related lung cancer. Last evaluated: 2023-12-31. Review status: criteria provided, single submitter. Criteria: Invitae Variant Classification Sherloc (09022015). Collection method: clinical testing. Allele origin: germline.
Comment: This sequence change replaces arginine, which is basic and polar, with serine, which is neutral and polar, at codon 962 of the EGFR protein (p.Arg962Ser). This variant is present in population databases (rs17337451, gnomAD 0.0009%). This variant has not been reported in the literature in individuals affected with EGFR-related conditions. Advanced modeling of protein sequence and biophysical properties (such as structural, functional, and spatial information, amino acid conservation, physicochemical variation, residue mobility, and thermodynamic stability) performed at Invitae indicates that this missense variant is not expected to disrupt EGFR protein function with a negative predictive value of 80%. In summary, the available evidence is currently insufficient to determine the role of this variant in disease. Therefore, it has been classified as a Variant of Uncertain Significance.

NM_005228.5(EGFR):c.2884C>A (p.Arg962Ser)

Gene: EGFR (epidermal growth factor receptor; plus strand). Cytogenetic location: 7p11.2.
Variant type: single nucleotide variant.
Coding change: c.2884C>A on transcript NM_005228.5 (MANE Select); coding-DNA position 2884, C replaced by A.
Protein change: p.Arg962Ser; replaces arginine 962 with serine.
Molecular consequence: missense variant.
Genome position (GRCh38, 1-based): chr7:55,200,351, C>A. VCF-style: chr7-55200351-C-A. GRCh37 (hg19) VCF-style: chr7-55268044-C-A.
Other names: c.2749C>A, p.Arg917Ser (NM_001346897.2, NM_001346899.2); c.2884C>A, p.Arg962Ser (NM_001346898.2); c.2725C>A, p.Arg909Ser (NM_001346900.2); c.2083C>A, p.Arg695Ser (NM_001346941.2); short protein forms R909S, R695S, R962S, R917S.
Identifiers: ClinVar variation 2814430 (VCV002814430.3), dbSNP rs17337451, ClinGen allele CA4266200.